The following is an entry in ClinVar:

NM_000548.5(TSC2):c.4675C>T (p.Leu1559Phe)

Gene: TSC2 (TSC complex subunit 2; plus strand). Cytogenetic location: 16p13.3.
Variant type: single nucleotide variant.
Coding change: c.4675C>T on transcript NM_000548.5 (MANE Select); coding-DNA position 4675, C replaced by T.
Protein change: p.Leu1559Phe; replaces leucine 1559 with phenylalanine.
Molecular consequence: missense variant.
Genome position (GRCh38, 1-based): chr16:2,086,205, C>T. VCF-style: chr16-2086205-C-T. GRCh37 (hg19) VCF-style: chr16-2136206-C-T.
Other names: c.4543C>T, p.Leu1515Phe (NM_001370404.1); c.4546C>T, p.Leu1516Phe (NM_001370405.1, NM_021055.3); c.4474C>T, p.Leu1492Phe (NM_001077183.3); c.4606C>T, p.Leu1536Phe (NM_001114382.3); c.4366C>T, p.Leu1456Phe (NM_001318827.2); c.4330C>T, p.Leu1444Phe (NM_001318829.2); c.3943C>T, p.Leu1315Phe (NM_001318831.2); c.4507C>T, p.Leu1503Phe (NM_001318832.2); and 1 more; short protein forms L1315F, L1444F, L1456F, L1492F, L1493F, L1503F, L1515F, L1516F.
Identifiers: ClinVar variation 1017982 (VCV001017982.12), dbSNP rs1327797297, ClinGen allele CA394306971.

ClinVar aggregate classification (germline): Uncertain significance. Review status: criteria provided, multiple submitters, no conflicts (2 of 4 stars). 3 submissions from 3 submitters: Uncertain significance (3). Last evaluated 2025-11-22.

Conditions:
Hereditary cancer-predisposing syndrome. Also called: Tumor predisposition; Hereditary Cancer Syndrome; Neoplastic Syndromes, Hereditary; Hereditary neoplastic syndrome. Identifiers: Orphanet 140162, MedGen C0027672, MeSH D009386, MONDO:0015356.
Tuberous sclerosis syndrome (TSC). Also called: Tuberous Sclerosis Complex; Tuberous sclerosis. Identifiers: Orphanet 805, MedGen C0041341, MONDO:0001734.
Tuberous sclerosis 2 (TSC2). Identifiers: Orphanet 805, MedGen C1860707, MONDO:0013199, OMIM 613254.

Allele frequency attached by ClinVar (database versions not stated): gnomAD exomes below 0.00001; TOPMed below 0.00001.
gnomAD v4.1: 2 of 1,612,584 alleles (0.00012%); highest among the groups gnomAD compares: Non-Finnish European, 0.00017%; no homozygotes.

Submissions (3):

Labcorp Genetics (formerly Invitae), Labcorp
Classification: Uncertain significance for Tuberous sclerosis 2. Last evaluated: 2025-11-22. Review status: criteria provided, single submitter. Criteria: Invitae Variant Classification Sherloc (09022015). Collection method: clinical testing. Allele origin: germline.
Comment: This sequence change replaces leucine, which is neutral and non-polar, with phenylalanine, which is neutral and non-polar, at codon 1559 of the TSC2 protein (p.Leu1559Phe). This variant is not present in population databases (gnomAD no frequency). This missense change has been observed in individual(s) with clinical features of TSC2-related conditions (PMID: 21520333, 25498131). ClinVar contains an entry for this variant (Variation ID: 1017982). Invitae Evidence Modeling of protein sequence and biophysical properties (such as structural, functional, and spatial information, amino acid conservation, physicochemical variation, residue mobility, and thermodynamic stability) indicates that this missense variant is not expected to disrupt TSC2 protein function with a negative predictive value of 95%. In summary, the available evidence is currently insufficient to determine the role of this variant in disease. Therefore, it has been classified as a Variant of Uncertain Significance.

Color Diagnostics, LLC DBA Color Health
Classification: Uncertain significance for Tuberous sclerosis syndrome. Last evaluated: 2025-10-01. Review status: criteria provided, single submitter. Criteria: ACMG Guidelines, 2015. Collection method: clinical testing. Allele origin: germline.
Comment: This missense variant replaces leucine with phenylalanine at codon 1559 of the TSC2 protein. Computational prediction is inconclusive regarding the impact of this variant on protein structure and function. To our knowledge, functional studies have not been reported for this variant. This variant has not been reported in individuals affected with TSC2-related disorders in the literature. This variant has been identified in 2/1460350 chromosomes in the general population by the Genome Aggregation Database (gnomAD). The available evidence is insufficient to determine the role of this variant in disease conclusively. Therefore, this variant is classified as a Variant of Uncertain Significance.

Ambry Genetics
Classification: Uncertain significance for Hereditary cancer-predisposing syndrome. Last evaluated: 2025-02-24. Review status: criteria provided, single submitter. Criteria: Ambry Variant Classification Scheme 2023. Collection method: clinical testing. Allele origin: germline.
Comment: The p.L1559F variant (also known as c.4675C>T), located in coding exon 36 of the TSC2 gene, results from a C to T substitution at nucleotide position 4675. The leucine at codon 1559 is replaced by phenylalanine, an amino acid with highly similar properties. This amino acid position is not well conserved in available vertebrate species. In addition, the in silico prediction for this alteration is inconclusive. Based on the available evidence, the clinical significance of this variant remains unclear.

Literature cited by the submitters: PubMed 21520333 (cited by Labcorp Genetics (formerly Invitae), Labcorp); PubMed 25498131 (cited by Labcorp Genetics (formerly Invitae), Labcorp).